The following is an entry in ClinVar:

NM_000211.5(ITGB2):c.1728G>C (p.Glu576Asp)

Gene: ITGB2 (integrin subunit beta 2; minus strand). Cytogenetic location: 21q22.3.
Variant type: single nucleotide variant.
Coding change: c.1728G>C on transcript NM_000211.5 (MANE Select); coding-DNA position 1728, G replaced by C.
Protein change: p.Glu576Asp; replaces glutamic acid 576 with aspartic acid.
Molecular consequence: missense variant.
Genome position (GRCh38, 1-based): chr21:44,889,425, C>G on the plus strand (G>C on the coding strand, the complement: ITGB2 is on the minus strand). VCF-style: chr21-44889425-C-G. GRCh37 (hg19) VCF-style: chr21-46309340-C-G.
Other names: c.1728G>C, p.Glu576Asp (NM_001127491.3); c.1521G>C, p.Glu507Asp (NM_001303238.2); short protein forms E507D, E576D.
Identifiers: ClinVar variation 4695298 (VCV004695298.1).

ClinVar aggregate classification (germline): Uncertain significance (1 of 4 stars; one submission).

Conditions:
Leukocyte adhesion deficiency 1 (LAD1). Also called: LEUKOCYTE ADHESION DEFICIENCY, TYPE I; LAD 1; Lymphocyte function-associated antigen 1 immunodeficiency; LFA 1 immunodeficiency. Identifiers: Orphanet 2968, Orphanet 99842, MedGen C0398738, MONDO:0007293, OMIM 116920.

Submission:

Labcorp Genetics (formerly Invitae), Labcorp
Classification: Uncertain significance for Leukocyte adhesion deficiency 1. Last evaluated: 2025-04-11. Review status: criteria provided, single submitter. Criteria: Invitae Variant Classification Sherloc (09022015). Collection method: clinical testing. Allele origin: germline.
Comment: This sequence change replaces glutamic acid, which is acidic and polar, with aspartic acid, which is acidic and polar, at codon 576 of the ITGB2 protein (p.Glu576Asp). This variant is not present in population databases (gnomAD no frequency). This variant has not been reported in the literature in individuals affected with ITGB2-related conditions. Invitae Evidence Modeling of protein sequence and biophysical properties (such as structural, functional, and spatial information, amino acid conservation, physicochemical variation, residue mobility, and thermodynamic stability) has been performed for this missense variant. However, the output from this modeling did not meet the statistical confidence thresholds required to predict the impact of this variant on ITGB2 protein function. In summary, the available evidence is currently insufficient to determine the role of this variant in disease. Therefore, it has been classified as a Variant of Uncertain Significance.